The following is an entry in ClinVar:

ClinVar aggregate classification (germline): Benign (1 of 4 stars; one submission).

Conditions:
Growth delay due to insulin-like growth factor I resistance. Also called: Somatomedin end-organ insensitivity to; Somatomedin-c resistance to; IGF-1 resistance; IGF-I RESISTANCE; Insulin-Like Growth Factor I Resistance. Identifiers: Orphanet 73273, MedGen C1849157, MONDO:0010038, OMIM 270450.

Allele frequency attached by ClinVar (database versions not stated): TOPMed 0.00010; gnomAD exomes 0.00042; 1000 Genomes Project 30x 0.00531; 1000 Genomes Project 0.00619.
gnomAD v4.1: 122 of 233,510 alleles (0.052%); highest among the groups gnomAD compares: South Asian, 1.9%; 4 homozygotes.

Submission:

Illumina Laboratory Services, Illumina
Classification: Benign for Growth delay due to insulin-like growth factor I resistance. Last evaluated: 2018-01-13. Review status: criteria provided, single submitter. Criteria: ICSL Variant Classification Criteria 13 December 2019. Collection method: clinical testing. Allele origin: germline.
Comment: This variant was observed in the ICSL laboratory as part of a predisposition screen in an ostensibly healthy population. It had not been previously curated by ICSL or reported in the Human Gene Mutation Database (HGMD: prior to June 1st, 2018), and was therefore a candidate for classification through an automated scoring system. Utilizing variant allele frequency, disease prevalence and penetrance estimates, and inheritance mode, an automated score was calculated to assess if this variant is too frequent to cause the disease. Based on the score and internal cut-off values, a variant classified as benign is not then subjected to further curation. The score for this variant resulted in a classification of benign for this disease.

NM_000875.5(IGF1R):c.*4329G>A

Gene: IGF1R (insulin like growth factor 1 receptor; plus strand). Cytogenetic location: 15q26.3.
Variant type: single nucleotide variant.
Coding change: c.*4329G>A on transcript NM_000875.5 (MANE Select); 4329 bases downstream of the stop codon, G replaced by A.
Molecular consequence: 3 prime UTR variant.
Genome position (GRCh38, 1-based): chr15:98,961,771, G>A. VCF-style: chr15-98961771-G-A. GRCh37 (hg19) VCF-style: chr15-99505000-G-A.
Other names: c.*4329G>A (NM_001291858.2).
Identifiers: ClinVar variation 887091 (VCV000887091.4), dbSNP rs528814787, ClinGen allele CA275338855.